The following is an entry in ClinVar:

NM_019074.4(DLL4):c.1336C>A (p.Arg446Ser)

Gene: DLL4 (delta like canonical Notch ligand 4; plus strand). Cytogenetic location: 15q15.1.
Variant type: single nucleotide variant.
Coding change: c.1336C>A on transcript NM_019074.4 (MANE Select); coding-DNA position 1336, C replaced by A.
Protein change: p.Arg446Ser; replaces arginine 446 with serine.
Molecular consequence: missense variant.
Genome position (GRCh38, 1-based): chr15:40,936,323, C>A. VCF-style: chr15-40936323-C-A. GRCh37 (hg19) VCF-style: chr15-41228521-C-A.
Other names: short protein forms R446S.
Identifiers: ClinVar variation 981059 (VCV000981059.1), dbSNP rs751873412, ClinGen allele CA7487918.

ClinVar aggregate classification (germline): Uncertain significance (1 of 4 stars; one submission).

Submission:

Women's Health and Genetics/Laboratory Corporation of America, LabCorp
Classification: Uncertain significance. Last evaluated: 2020-09-25. Review status: criteria provided, single submitter. Criteria: LabCorp Variant Classification Summary - May 2015. Collection method: clinical testing. Allele origin: germline.
Comment: Variant summary: DLL4 c.1336C>A (p.Arg446Ser) results in a non-conservative amino acid change located in the EGF-like domain (IPR000742) of the encoded protein sequence. Three of five in-silico tools predict a benign effect of the variant on protein function. The variant allele was found at a frequency of 8.3e-06 in 239822 control chromosomes (gnomAD). The available data on variant occurrences in the general population are insufficient to allow any conclusion about variant significance. To our knowledge, no occurrence of c.1336C>A in individuals affected with Adams-Oliver Syndrome 6 and no experimental evidence demonstrating its impact on protein function have been reported. No clinical diagnostic laboratories have submitted clinical-significance assessments for this variant to ClinVar after 2014. Based on the evidence outlined above, the variant was classified as uncertain significance.